The following is an entry in ClinVar:

ClinVar aggregate classification (germline): Uncertain significance. Review status: criteria provided, multiple submitters, no conflicts (2 of 4 stars). 2 submissions from 2 submitters: Uncertain significance (2). Last evaluated 2025-10-17.

Conditions:
Dystonic disorder. Also called: Dystonia. Identifiers: MedGen C0013421, MONDO:0003441, HP:0001332.

Allele frequency attached by ClinVar (database versions not stated): gnomAD exomes 0.00004; ExAC 0.00005; ESP Exome Variant Server 0.00008; gnomAD 0.00014; TOPMed 0.00021.
gnomAD v4.1: 78 of 1,614,142 alleles (0.0048%); highest among the groups gnomAD compares: African/African-American, 0.047%; no homozygotes.

Submissions (2):

Ambry Genetics
Classification: Uncertain significance. Last evaluated: 2025-10-17. Review status: criteria provided, single submitter. Criteria: Ambry Variant Classification Scheme 2023. Collection method: clinical testing. Allele origin: germline.

Labcorp Genetics (formerly Invitae), Labcorp
Classification: Uncertain significance for Dystonic disorder. Last evaluated: 2025-06-12. Review status: criteria provided, single submitter. Criteria: Invitae Variant Classification Sherloc (09022015). Collection method: clinical testing. Allele origin: germline.
Comment: This sequence change replaces proline, which is neutral and non-polar, with leucine, which is neutral and non-polar, at codon 469 of the CIZ1 protein (p.Pro469Leu). This variant is present in population databases (rs371436438, gnomAD 0.02%). This variant has not been reported in the literature in individuals affected with CIZ1-related conditions. ClinVar contains an entry for this variant (Variation ID: 1987929). An algorithm developed to predict the effect of missense changes on protein structure and function outputs the following: PolyPhen-2: "Benign". The leucine amino acid residue is found in multiple mammalian species, which suggests that this missense change does not adversely affect protein function. In summary, the available evidence is currently insufficient to determine the role of this variant in disease. Therefore, it has been classified as a Variant of Uncertain Significance.

NM_001131016.2(CIZ1):c.1406C>T (p.Pro469Leu)

Gene: CIZ1 (CDKN1A interacting zinc finger protein 1; minus strand). Cytogenetic location: 9q34.11.
Variant type: single nucleotide variant.
Coding change: c.1406C>T on transcript NM_001131016.2 (MANE Select); coding-DNA position 1406, C replaced by T.
Protein change: p.Pro469Leu; replaces proline 469 with leucine.
Molecular consequence: missense variant.
Genome position (GRCh38, 1-based): chr9:128,178,801, G>A on the plus strand (C>T on the coding strand, the complement: CIZ1 is on the minus strand). VCF-style: chr9-128178801-G-A. GRCh37 (hg19) VCF-style: chr9-130941080-G-A.
Other names: c.1406C>T (NM_012127.2); c.1238C>T, p.Pro413Leu (NM_001131015.2); c.1223C>T, p.Pro408Leu (NM_001131017.2); c.1166C>T, p.Pro389Leu (NM_001131018.2); c.1496C>T, p.Pro499Leu (NM_001257975.2); c.1103C>T, p.Pro368Leu (NM_001257976.2); c.1406C>T, p.Pro469Leu (NM_012127.3); short protein forms P469L, P368L, P413L, P408L, P499L, P389L.
Identifiers: ClinVar variation 1987929 (VCV001987929.7), dbSNP rs371436438, ClinGen allele CA5257316.
Genomic context (GRCh38, chr9:128,178,801, plus strand): 5'-TCCAGCCCGCAGACATGAACCACAACTGGTGTTTGCTCTGGAGCCAGCAACGACACCTGC[G>A]GCTGGGTGTGAGGCTGCTCATGGGTCTGCTCTGGTGGCTGTACTGACACCTGCGCTGGAG-3'
Protein context (NP_001124488.1, residues 459-479): EQTHEQPHTQ[Pro469Leu]QVSLLAPEQT